The following is an entry in ClinVar:

ClinVar aggregate classification (germline): Uncertain significance (1 of 4 stars; one submission).

gnomAD v4.1: 1 of 1,614,016 alleles (0.000062%); highest among the groups gnomAD compares: Non-Finnish European, 0.000085%; no homozygotes.

Submission:

Labcorp Genetics (formerly Invitae), Labcorp
Classification: Uncertain significance. Last evaluated: 2025-06-04. Review status: criteria provided, single submitter. Criteria: Invitae Variant Classification Sherloc (09022015). Collection method: clinical testing. Allele origin: germline.
Comment: This sequence change falls in intron 7 of the CTNNB1 gene. It does not directly change the encoded amino acid sequence of the CTNNB1 protein. It affects a nucleotide within the consensus splice site. This variant is not present in population databases (gnomAD no frequency). This variant has not been reported in the literature in individuals affected with CTNNB1-related conditions. Variants that disrupt the consensus splice site are a relatively common cause of aberrant splicing (PMID: 17576681, 9536098). Algorithms developed to predict the effect of sequence changes on RNA splicing suggest that this variant is not likely to affect RNA splicing. In summary, the available evidence is currently insufficient to determine the role of this variant in disease. Therefore, it has been classified as a Variant of Uncertain Significance.

Literature cited by the submitters: PubMed 17576681; PubMed 9536098.

NM_001904.4(CTNNB1):c.1082-3T>C

Gene: CTNNB1 (catenin beta 1; plus strand). Cytogenetic location: 3p22.1.
Variant type: single nucleotide variant.
Coding change: c.1082-3T>C on transcript NM_001904.4 (MANE Select); 3 bases into the intron before coding-DNA position 1082, T replaced by C.
Molecular consequence: intron variant.
Genome position (GRCh38, 1-based): chr3:41,233,338, T>C. VCF-style: chr3-41233338-T-C. GRCh37 (hg19) VCF-style: chr3-41274829-T-C.
Other names: c.1061-3T>C (NM_001330729.2); c.1082-3T>C (NM_001098209.2, NM_001098210.2, NM_001438874.1 and 4 more transcripts).
Identifiers: ClinVar variation 4764812 (VCV004764812.1).